The following is an entry in ClinVar:

NM_000512.5(GALNS):c.121-219G>A

Gene: GALNS (galactosamine (N-acetyl)-6-sulfatase; minus strand). Cytogenetic location: 16q24.3.
Variant type: single nucleotide variant.
Coding change: c.121-219G>A on transcript NM_000512.5 (MANE Select); 219 bases into the intron before coding-DNA position 121, G replaced by A.
Molecular consequence: intron variant. On other transcripts: synonymous variant (1).
Genome position (GRCh38, 1-based): chr16:88,843,048, C>T on the plus strand (G>A on the coding strand, the complement: GALNS is on the minus strand). VCF-style: chr16-88843048-C-T. GRCh37 (hg19) VCF-style: chr16-88909456-C-T.
Other names: c.120G>A, p.Thr40= (NM_001323544.2); c.-311-1077G>A (NM_001323543.2).
Identifiers: ClinVar variation 5039430 (VCV005039430.1).

ClinVar aggregate classification (germline): Likely benign (1 of 4 stars; one submission).

gnomAD v4.1: 7 of 1,520,974 alleles (0.00046%); highest among the groups gnomAD compares: Admixed American, 0.002%; no homozygotes.

Submission:

CeGaT Center for Human Genetics Tuebingen
Classification: Likely benign. Last evaluated: 2026-08-01. Review status: criteria provided, single submitter. Criteria: CeGaT Center For Human Genetics Tuebingen Variant Classification Criteria Version 2. Collection method: clinical testing. Allele origin: germline. Affected: yes. Observed: 1 variant allele.
Comment: GALNS: BP4, BP7